The following is an entry in ClinVar:

ClinVar aggregate classification (germline): Uncertain significance. Review status: criteria provided, multiple submitters, no conflicts (2 of 4 stars). 4 submissions from 4 submitters: Uncertain significance (4). Last evaluated 2021-12-01.

Conditions:
Glycogen storage disease, type II (IOPD). Also called: POMPE DISEASE, INFANTILE-ONSET; GLYCOGEN STORAGE DISEASE II, INFANTILE-ONSET; ACID ALPHA-GLUCOSIDASE DEFICIENCY, INFANTILE-ONSET; GAA DEFICIENCY, INFANTILE-ONSET; ACID MALTASE DEFICIENCY, INFANTILE-ONSET; CARDIOMEGALIA GLYCOGENICA DIFFUSA. Identifiers: Orphanet 365, MedGen C0017921, MONDO:0009290, OMIM 232300.

Allele frequency attached by ClinVar (database versions not stated): TOPMed below 0.00001.
gnomAD v4.1: 6 of 1,603,674 alleles (0.00037%); highest among the groups gnomAD compares: Admixed American, 0.0017%; no homozygotes.

Submissions (4):

Labcorp Genetics (formerly Invitae), Labcorp
Classification: Uncertain significance for Glycogen storage disease, type II. Last evaluated: 2021-12-01. Review status: criteria provided, single submitter. Criteria: Invitae Variant Classification Sherloc (09022015). Collection method: clinical testing. Allele origin: germline.
Comment: This sequence change replaces arginine, which is basic and polar, with cysteine, which is neutral and slightly polar, at codon 223 of the GAA protein (p.Arg223Cys). The frequency data for this variant in the population databases is considered unreliable, as metrics indicate poor data quality at this position in the gnomAD database. This variant has not been reported in the literature in individuals affected with GAA-related conditions. ClinVar contains an entry for this variant (Variation ID: 288634). Advanced modeling of protein sequence and biophysical properties (such as structural, functional, and spatial information, amino acid conservation, physicochemical variation, residue mobility, and thermodynamic stability) performed at Invitae indicates that this missense variant is not expected to disrupt GAA protein function. In summary, the available evidence is currently insufficient to determine the role of this variant in disease. Therefore, it has been classified as a Variant of Uncertain Significance.

Genome-Nilou Lab
Classification: Uncertain significance for Glycogen storage disease, type II. Last evaluated: 2021-09-05. Review status: criteria provided, single submitter. Criteria: ACMG Guidelines, 2015. Collection method: clinical testing. Allele origin: germline. Affected: no.

Illumina Laboratory Services, Illumina
Classification: Uncertain significance for Glycogen storage disease, type II. Last evaluated: 2018-01-13. Review status: criteria provided, single submitter. Criteria: ICSL Variant Classification Criteria 13 December 2019. Collection method: clinical testing. Allele origin: germline.

Eurofins Ntd Llc (ga)
Classification: Uncertain significance. Last evaluated: 2016-06-08. Review status: criteria provided, single submitter. Criteria: EGL Classification Definitions 2015. Collection method: clinical testing. Allele origin: germline. Observed: 1 variant allele, 1 heterozygote.

NM_000152.5(GAA):c.667C>T (p.Arg223Cys)

Gene: GAA (alpha glucosidase; plus strand). Cytogenetic location: 17q25.3.
Variant type: single nucleotide variant.
Coding change: c.667C>T on transcript NM_000152.5 (MANE Select); coding-DNA position 667, C replaced by T.
Protein change: p.Arg223Cys; replaces arginine 223 with cysteine.
Molecular consequence: missense variant.
Genome position (GRCh38, 1-based): chr17:80,105,869, C>T. VCF-style: chr17-80105869-C-T. GRCh37 (hg19) VCF-style: chr17-78079668-C-T.
Other names: c.667C>T, p.Arg223Cys (NM_001079803.3, NM_001079804.3); short protein forms R223C.
Identifiers: ClinVar variation 288634 (VCV000288634.13), dbSNP rs886043961, ClinGen allele CA10606165.